The following is an entry in ClinVar:

NM_001267550.2(TTN):c.96944C>T (p.Thr32315Ile)

Genes: TTN (titin; minus strand), TTN-AS1 (TTN antisense RNA 1; plus strand), LOC126806421 (CDK7 strongly-dependent group 2 enhancer GRCh37_chr2:179407630-179408829; plus strand). Cytogenetic location: 2q31.2.
Variant type: single nucleotide variant.
Coding change: c.96944C>T on transcript NM_001267550.2 (MANE Select); coding-DNA position 96944, C replaced by T.
Protein change: p.Thr32315Ile; replaces threonine 32315 with isoleucine.
Molecular consequence: missense variant.
Genome position (GRCh38, 1-based): chr2:178,542,910, G>A on the plus strand (C>T on the coding strand, the complement: TTN is on the minus strand). VCF-style: chr2-178542910-G-A. GRCh37 (hg19) VCF-style: chr2-179407637-G-A.
Other names: p.T30674I:ACC>ATC; c.70325C>T, p.Thr23442Ile (NM_133437.4); c.92021C>T, p.Thr30674Ile (NM_001256850.1); c.69749C>T, p.Thr23250Ile (NM_003319.4); c.89240C>T, p.Thr29747Ile (NM_133378.4); c.70124C>T, p.Thr23375Ile (NM_133432.3); short protein forms T32315I, T29747I, T30674I, T23375I, T23442I, T23250I.
Identifiers: ClinVar variation 47574 (VCV000047574.53), dbSNP rs56027402, ClinGen allele CA284147.

ClinVar aggregate classification (germline): Benign/Likely benign. Review status: criteria provided, multiple submitters, no conflicts (2 of 4 stars). 28 submissions from 21 submitters: Benign (19); Likely benign (3). 6 of the submissions do not count toward it. Last evaluated 2026-02-03.

Conditions:
Dilated cardiomyopathy 1G (CMD1G). Identifiers: Orphanet 154, MedGen C1858763, MONDO:0011400, OMIM 604145.
Autosomal recessive limb-girdle muscular dystrophy type 2J (LGMDR10). Also called: MUSCULAR DYSTROPHY, LIMB-GIRDLE, AUTOSOMAL RECESSIVE 10; Limb-girdle muscular dystrophy, type 2J. Identifiers: Orphanet 140922, MedGen C1837342, MONDO:0012127, OMIM 608807.
Cardiovascular phenotype. Identifiers: MedGen CN230736.
Cardiomyopathy (CMYO). Also called: Cardiomyopathies. Identifiers: Orphanet 167848, MedGen C0878544, MONDO:0004994, HP:0001638. Inheritance: Various modes of inheritance.
Early-onset myopathy with fatal cardiomyopathy (CMYO5). Also called: CONGENITAL MYOPATHY 5 WITH CARDIOMYOPATHY; Salih Myopathy. Identifiers: Orphanet 289377, MedGen C2673677, MONDO:0012714, OMIM 611705. Disease mechanism: loss of function.
Tibial muscular dystrophy (TMD). Also called: Udd Distal Myopathy – Tibial Muscular Dystrophy; Tibial muscular dystrophy, tardive; UDD MYOPATHY. Identifiers: Orphanet 609, MedGen C1838244, MONDO:0010870, OMIM 600334.
Myopathy, myofibrillar, 9, with early respiratory failure (MFM9). Also called: Myopathy, distal, with early respiratory failure, autosomal dominant; Hereditary myopathy with early respiratory failure; MYOPATHY, PROXIMAL, WITH EARLY RESPIRATORY MUSCLE INVOLVEMENT; EDSTROM MYOPATHY. Identifiers: Orphanet 178464, Orphanet 34521, MedGen C1863599, MONDO:0011362, OMIM 603689.

Allele frequency attached by ClinVar (database versions not stated): 1000 Genomes Project 0.01637; gnomAD exomes 0.00458; ExAC 0.00551; 1000 Genomes Project 30x 0.01655; gnomAD 0.01724; ESP Exome Variant Server 0.02095; TOPMed 0.02125.
gnomAD v4.1: 5,493 of 1,612,002 alleles (0.34%); highest among the groups gnomAD compares: African/African-American, 6.5%; 178 homozygotes.

Submissions (28):

Labcorp Genetics (formerly Invitae), Labcorp
Classification: Benign for Dilated cardiomyopathy 1G; Autosomal recessive limb-girdle muscular dystrophy type 2J. Last evaluated: 2026-02-03. Review status: criteria provided, single submitter. Criteria: Invitae Variant Classification Sherloc (09022015). Collection method: clinical testing. Allele origin: germline.

ARUP Laboratories, Molecular Genetics and Genomics, ARUP Laboratories
Classification: Benign. Last evaluated: 2025-05-14. Review status: criteria provided, single submitter. Criteria: ARUP Molecular Germline Variant Investigation Process 2024. Collection method: clinical testing. Allele origin: germline.

Molecular Diagnostic Laboratory for Inherited Cardiovascular Disease, Montreal Heart Institute
Classification: Benign. Last evaluated: 2025-04-09. Review status: criteria provided, single submitter. Criteria: ACMG Guidelines, 2015. Collection method: clinical testing. Allele origin: germline. Affected: no.

Athena Diagnostics
Classification: Benign. Last evaluated: 2025-03-13. Review status: criteria provided, single submitter. Criteria: Athena Diagnostics Criteria. Collection method: clinical testing. Allele origin: unknown.
Comment: The frequency of this variant in the general population is higher than would generally be expected for pathogenic variants in this gene.

Genome-Nilou Lab
Classification: Benign for Autosomal recessive limb-girdle muscular dystrophy type 2J. Last evaluated: 2021-09-10. Review status: criteria provided, single submitter. Criteria: ACMG Guidelines, 2015. Collection method: clinical testing. Allele origin: germline. Affected: no.

Genome-Nilou Lab
Classification: Benign for Myopathy, myofibrillar, 9, with early respiratory failure. Last evaluated: 2021-09-10. Review status: criteria provided, single submitter. Criteria: ACMG Guidelines, 2015. Collection method: clinical testing. Allele origin: germline. Affected: no.

Genome-Nilou Lab
Classification: Benign for Early-onset myopathy with fatal cardiomyopathy. Last evaluated: 2021-09-10. Review status: criteria provided, single submitter. Criteria: ACMG Guidelines, 2015. Collection method: clinical testing. Allele origin: germline. Affected: no.

Genome-Nilou Lab
Classification: Benign for Tibial muscular dystrophy. Last evaluated: 2021-09-10. Review status: criteria provided, single submitter. Criteria: ACMG Guidelines, 2015. Collection method: clinical testing. Allele origin: germline. Affected: no.

Women's Health and Genetics/Laboratory Corporation of America, LabCorp
Classification: Likely benign. Last evaluated: 2020-04-12. Review status: criteria provided, single submitter. Criteria: LabCorp Variant Classification Summary - May 2015. Collection method: clinical testing. Allele origin: germline.

Mayo Clinic Laboratories, Mayo Clinic
Classification: Benign. Last evaluated: 2019-03-06. Review status: criteria provided, single submitter. Criteria: ACMG Guidelines, 2015. Collection method: clinical testing. Allele origin: germline. Observed: 38 variant alleles.

Illumina Laboratory Services, Illumina
Classification: Benign for Tibial muscular dystrophy. Last evaluated: 2018-01-13. Review status: criteria provided, single submitter. Criteria: ICSL Variant Classification Criteria 13 December 2019. Collection method: clinical testing. Allele origin: germline.
Comment: This variant was observed in the ICSL laboratory as part of a predisposition screen in an ostensibly healthy population. It had not been previously curated by ICSL or reported in the Human Gene Mutation Database (HGMD: prior to June 1st, 2018), and was therefore a candidate for classification through an automated scoring system. Utilizing variant allele frequency, disease prevalence and penetrance estimates, and inheritance mode, an automated score was calculated to assess if this variant is too frequent to cause the disease. Based on the score and internal cut-off values, a variant classified as benign is not then subjected to further curation. The score for this variant resulted in a classification of benign for this disease.

Illumina Laboratory Services, Illumina
Classification: Benign for Autosomal recessive limb-girdle muscular dystrophy type 2J. Last evaluated: 2018-01-13. Review status: criteria provided, single submitter. Criteria: ICSL Variant Classification Criteria 13 December 2019. Collection method: clinical testing. Allele origin: germline.
Comment: the same text as in the submission from Illumina Laboratory Services, Illumina above.

Illumina Laboratory Services, Illumina
Classification: Likely benign for Dilated cardiomyopathy 1G. Last evaluated: 2018-01-13. Review status: criteria provided, single submitter. Criteria: ICSL Variant Classification Criteria 13 December 2019. Collection method: clinical testing. Allele origin: germline.
Comment: This variant was observed in the ICSL laboratory as part of a predisposition screen in an ostensibly healthy population. It had not been previously curated by ICSL or reported in the Human Gene Mutation Database (HGMD: prior to June 1st, 2018), and was therefore a candidate for classification through an automated scoring system. Utilizing variant allele frequency, disease prevalence and penetrance estimates, and inheritance mode, an automated score was calculated to assess if this variant is too frequent to cause the disease. Based on the score and internal cut-off values, a variant classified as likely benign is not then subjected to further curation. The score for this variant resulted in a classification of likely benign for this disease.

Illumina Laboratory Services, Illumina
Classification: Benign for Early-onset myopathy with fatal cardiomyopathy. Last evaluated: 2018-01-13. Review status: criteria provided, single submitter. Criteria: ICSL Variant Classification Criteria 13 December 2019. Collection method: clinical testing. Allele origin: germline.
Comment: the same text as in the submission from Illumina Laboratory Services, Illumina above.

Illumina Laboratory Services, Illumina
Classification: Benign for Myopathy, myofibrillar, 9, with early respiratory failure. Last evaluated: 2018-01-13. Review status: criteria provided, single submitter. Criteria: ICSL Variant Classification Criteria 13 December 2019. Collection method: clinical testing. Allele origin: germline.
Comment: the same text as in the submission from Illumina Laboratory Services, Illumina above.

CHEO Genetics Diagnostic Laboratory, Children's Hospital of Eastern Ontario
Classification: Benign for Cardiomyopathy. Last evaluated: 2016-03-08. Review status: criteria provided, single submitter. Criteria: ACMG Guidelines, 2015. Collection method: clinical testing. Allele origin: germline. Study: Canadian Open Genetics Repository.

GeneDx
Classification: Benign. Last evaluated: 2014-04-14. Review status: criteria provided, single submitter. Criteria: GeneDx Variant Classification (06012015). Collection method: clinical testing. Allele origin: germline. Affected: yes.
Comment: This variant is considered likely benign or benign based on one or more of the following criteria: it is a conservative change, it occurs at a poorly conserved position in the protein, it is predicted to be benign by multiple in silico algorithms, and/or has population frequency not consistent with disease.

Biesecker Lab/Clinical Genomics Section, National Institutes of Health
Classification: Benign. Last evaluated: 2013-06-24. Review status: criteria provided, single submitter. Criteria: Ng et al. (Circ Cardiovasc Genet. 2013). Collection method: research. Allele origin: unknown. Observed: 4 variant alleles. Study: ClinSeq.
Comment: The study set was not selected for affection status in relation to any cancer. Pathogenicity categories were based on literature curation. See Pubmed ID:23861362 for details.

Medical sequencing

Ambry Genetics
Classification: Benign for Cardiovascular phenotype. Last evaluated: 2013-02-26. Review status: criteria provided, single submitter. Criteria: Ambry Autosomal Dominant and X-Linked criteria (10/2015). Collection method: clinical testing. Allele origin: germline. Observed: 1 variant allele.

Laboratory for Molecular Medicine, Mass General Brigham Personalized Medicine
Classification: Benign. Last evaluated: 2012-04-25. Review status: criteria provided, single submitter. Criteria: LMM Criteria. Collection method: clinical testing. Allele origin: germline. Observed: 33 variant alleles.

Breakthrough Genomics
Classification: Likely benign. Review status: criteria provided, single submitter. Criteria: ACMG Guidelines, 2015. Collection method: not provided. Allele origin: germline. Inheritance: Autosomal recessive inheritance. Affected: yes.

PreventionGenetics, part of Exact Sciences
Classification: Benign. Review status: criteria provided, single submitter. Criteria: ACMG Guidelines, 2015. Collection method: clinical testing. Allele origin: germline.

Clinical Genetics DNA and cytogenetics Diagnostics Lab, Erasmus MC, Erasmus Medical Center
Classification: Benign. Review status: no assertion criteria provided. Collection method: clinical testing. Allele origin: germline. Affected: yes. Study: VKGL Data-share Consensus. Not counted in ClinVar's aggregate classification.

Clinical Genetics, Academic Medical Center
Classification: Benign. Review status: no assertion criteria provided. Collection method: clinical testing. Allele origin: germline. Affected: yes. Study: VKGL Data-share Consensus. Not counted in ClinVar's aggregate classification.

Diagnostic Laboratory, Department of Genetics, University Medical Center Groningen
Classification: Likely benign. Review status: no assertion criteria provided. Collection method: clinical testing. Allele origin: germline. Affected: yes. Study: VKGL Data-share Consensus. Not counted in ClinVar's aggregate classification.

Genetic Services Laboratory, University of Chicago
Classification: Likely benign for AllHighlyPenetrant. Review status: no assertion criteria provided. Collection method: clinical testing. Allele origin: germline. Not counted in ClinVar's aggregate classification.
Comment: Likely benign based on allele frequency in 1000 Genomes Project or ESP global frequency and its presence in a patient with a rare or unrelated disease phenotype. NOT Sanger confirmed.

Genome Diagnostics Laboratory, University Medical Center Utrecht
Classification: Benign. Review status: no assertion criteria provided. Collection method: clinical testing. Allele origin: germline. Affected: yes. Study: VKGL Data-share Consensus. Not counted in ClinVar's aggregate classification.

Joint Genome Diagnostic Labs from Nijmegen and Maastricht, Radboudumc and MUMC+
Classification: Benign. Review status: no assertion criteria provided. Collection method: clinical testing. Allele origin: germline. Affected: yes. Study: VKGL Data-share Consensus. Not counted in ClinVar's aggregate classification.